The following is an entry in ClinVar:

NM_000038.6(APC):c.2788A>T (p.Thr930Ser)

Gene: APC (APC regulator of Wnt signaling pathway; plus strand). Cytogenetic location: 5q22.2.
Variant type: single nucleotide variant.
Coding change: c.2788A>T on transcript NM_000038.6 (MANE Select); coding-DNA position 2788, A replaced by T.
Protein change: p.Thr930Ser; replaces threonine 930 with serine.
Molecular consequence: missense variant.
Genome position (GRCh38, 1-based): chr5:112,838,382, A>T. VCF-style: chr5-112838382-A-T. GRCh37 (hg19) VCF-style: chr5-112174079-A-T.
Other names: c.2818A>T, p.Thr940Ser (NM_001354897.2); c.2713A>T, p.Thr905Ser (NM_001354898.2); c.2704A>T, p.Thr902Ser (NM_001354899.2); c.2665A>T, p.Thr889Ser (NM_001354900.2); c.2611A>T, p.Thr871Ser (NM_001354901.2); c.2515A>T, p.Thr839Ser (NM_001354902.2); c.2788A>T, p.Thr930Ser (NM_001354895.2, NM_001127510.3); c.2842A>T, p.Thr948Ser (NM_001354896.2); and 5 more; short protein forms T940S, T770S, T829S, T930S, T647S, T804S, T902S, T912S.
Identifiers: ClinVar variation 1509273 (VCV001509273.6), dbSNP rs2149877403, ClinGen allele CA16027412.

ClinVar aggregate classification (germline): Uncertain significance (1 of 4 stars; one submission).

Conditions:
Familial adenomatous polyposis 1 (FAP1). Also called: FAMILIAL ADENOMATOUS POLYPOSIS 1, ATTENUATED; POLYPOSIS, ADENOMATOUS INTESTINAL. Identifiers: MedGen C2713442, MONDO:0021056, OMIM 175100. Disease mechanism: loss of function.

Submission:

Labcorp Genetics (formerly Invitae), Labcorp
Classification: Uncertain significance for Familial adenomatous polyposis 1. Last evaluated: 2023-04-07. Review status: criteria provided, single submitter. Criteria: Invitae Variant Classification Sherloc (09022015). Collection method: clinical testing. Allele origin: germline.
Comment: Advanced modeling of protein sequence and biophysical properties (such as structural, functional, and spatial information, amino acid conservation, physicochemical variation, residue mobility, and thermodynamic stability) performed at Invitae indicates that this missense variant is not expected to disrupt APC protein function. This sequence change replaces threonine, which is neutral and polar, with serine, which is neutral and polar, at codon 930 of the APC protein (p.Thr930Ser). This variant is not present in population databases (gnomAD no frequency). This variant has not been reported in the literature in individuals affected with APC-related conditions. ClinVar contains an entry for this variant (Variation ID: 1509273). In summary, the available evidence is currently insufficient to determine the role of this variant in disease. Therefore, it has been classified as a Variant of Uncertain Significance.